The following is an entry in ClinVar:

ClinVar aggregate classification (germline): Pathogenic (1 of 4 stars; one submission).

Conditions:
Ethylmalonic encephalopathy (EE). Also called: EPEMA syndrome; Encephalopathy, petechiae, and ethylmalonic aciduria; Syndrome of encephalopathy, petechiae, and ethylmalonic aciduria. Identifiers: Orphanet 51188, MedGen C1865349, MONDO:0011229, OMIM 602473. Disease mechanism: loss of function.

Submission:

Labcorp Genetics (formerly Invitae), Labcorp
Classification: Pathogenic for Ethylmalonic encephalopathy. Last evaluated: 2024-01-24. Review status: criteria provided, single submitter. Criteria: Invitae Variant Classification Sherloc (09022015). Collection method: clinical testing. Allele origin: germline.
Comment: This sequence change creates a premature translational stop signal (p.Ala155Glyfs*26) in the ETHE1 gene. It is expected to result in an absent or disrupted protein product. Loss-of-function variants in ETHE1 are known to be pathogenic (PMID: 14732903, 19136963). This variant is not present in population databases (gnomAD no frequency). This variant has not been reported in the literature in individuals affected with ETHE1-related conditions. For these reasons, this variant has been classified as Pathogenic.

Literature cited by the submitters: PubMed 14732903; PubMed 19136963.

NM_014297.5(ETHE1):c.463dup (p.Ala155fs)

Gene: ETHE1 (ETHE1 persulfide dioxygenase; minus strand). Cytogenetic location: 19q13.31.
Variant type: Duplication.
Coding change: c.463dup on transcript NM_014297.5 (MANE Select); coding-DNA position 463, one base duplicated (G; older notation c.463dupG).
Protein change: p.Ala155fs; shifts the reading frame from alanine 155.
Molecular consequence: frameshift variant.
Genome position (GRCh38, 1-based): chr19:43,511,479, C duplicated on the plus strand (G on the coding strand, the reverse complement: ETHE1 is on the minus strand). VCF-style (leftmost placement, unchanged base first): chr19-43511478-G-GC. GRCh37 (hg19) VCF-style: chr19-44015630-G-GC.
Other names: c.430dup, p.Ala144fs (NM_001320867.2); c.94dup, p.Ala32fs (NM_001320868.2); c.169dup, p.Ala57fs (NM_001320869.2); short protein forms A57fs, A144fs, A155fs, A32fs.
Identifiers: ClinVar variation 2711088 (VCV002711088.3), dbSNP rs2513609510, ClinGen allele CA2697556610.
Genomic context (GRCh38, chr19:43,511,478, plus strand): 5'-GGATAAAGGAGCTGGTCACCTTGCTGGAAGTCTGTCCGCCCACACCCACGGATCAACAGG[G>GC]CATCTCCAGTGAAGGCCATGCTGTGGTCATTCAGGACGAAGGTGACACAGCCTGGGGTGT-3'